The following is an entry in ClinVar:

NM_000540.3(RYR1):c.46-11C>T

Gene: RYR1 (ryanodine receptor 1; plus strand). Cytogenetic location: 19q13.2.
Variant type: single nucleotide variant.
Coding change: c.46-11C>T on transcript NM_000540.3 (MANE Select); 11 bases into the intron before coding-DNA position 46, C replaced by T.
Molecular consequence: intron variant.
Genome position (GRCh38, 1-based): chr19:38,440,734, C>T. VCF-style: chr19-38440734-C-T. GRCh37 (hg19) VCF-style: chr19-38931374-C-T.
Other names: c.46-11C>T (NM_001042723.2).
Identifiers: ClinVar variation 2726069 (VCV002726069.5), dbSNP rs764370319, ClinGen allele CA066231.

ClinVar aggregate classification (germline): Likely benign. Review status: criteria provided, multiple submitters, no conflicts (2 of 4 stars). 3 submissions from 3 submitters: Likely benign (3). Last evaluated 2024-06-09.

Conditions:
Malignant hyperthermia, susceptibility to, 1 (MHS1). Also called: Anesthesia related hyperthermia; Malignant hyperpyrexia; Fulminating hyperpyrexia; Pharmacogenic myopathy; RYR1-Related Malignant Hyperthermia Susceptibility; Malignant hyperthermia suceptibility 1. Identifiers: Orphanet 423, MedGen C2930980, MONDO:0007783, OMIM 145600.
RYR1-related disorder. Also called: RYR1-related disorders; RYR1-related condition. Identifiers: MedGen CN239331.

Allele frequency attached by ClinVar (database versions not stated): ExAC 0.00001; gnomAD 0.00001; TOPMed 0.00001.
gnomAD v4.1: 11 of 1,604,522 alleles (0.00069%); highest among the groups gnomAD compares: South Asian, 0.0011%; no homozygotes.

Submissions (3):

All of Us Research Program, National Institutes of Health
Classification: Likely benign for Malignant hyperthermia, susceptibility to, 1. Last evaluated: 2024-06-09. Review status: criteria provided, single submitter. Criteria: ACMG Guidelines, 2015. Collection method: clinical testing. Allele origin: germline. Inheritance: Autosomal dominant inheritance. Observed: 1 variant allele, 1 heterozygote.
Comment: This study involves interpretation of variants in research participants for the purpose of population health screening. Participant phenotype was not available at the time of variant classification. Additional details can be found in publication PMID: 35346344, PMCID: PMC8962531

Labcorp Genetics (formerly Invitae), Labcorp
Classification: Likely benign for RYR1-related disorder. Last evaluated: 2024-02-24. Review status: criteria provided, single submitter. Criteria: Invitae Variant Classification Sherloc (09022015). Collection method: clinical testing. Allele origin: germline.

Color Diagnostics, LLC DBA Color Health
Classification: Likely benign for Malignant hyperthermia, susceptibility to, 1. Last evaluated: 2023-01-12. Review status: criteria provided, single submitter. Criteria: ACMG Guidelines, 2015. Collection method: clinical testing. Allele origin: germline.